The following is an entry in ClinVar:

ClinVar aggregate classification (germline): Uncertain significance (1 of 4 stars; one submission).

gnomAD v4.1: 1 of 1,609,426 alleles (0.000062%); highest among the groups gnomAD compares: Non-Finnish European, 0.000085%; no homozygotes.

Submission:

GeneDx
Classification: Uncertain significance. Last evaluated: 2026-04-15. Review status: criteria provided, single submitter. Criteria: GeneDx Variant Classification Process June 2021. Collection method: clinical testing. Allele origin: germline.
Comment: Not observed at significant frequency in large population cohorts (gnomAD); In silico analysis supports that this missense variant has a deleterious effect on protein structure/function; Has not been previously published as pathogenic or benign to our knowledge; This substitution is predicted to be within the transmembrane segment S3 of the third homologous domain

NM_001165963.4(SCN1A):c.3877G>A (p.Asp1293Asn)

Genes: SCN1A (sodium voltage-gated channel alpha subunit 1; minus strand), LOC102724058 (uncharacterized LOC102724058; plus strand). Cytogenetic location: 2q24.3.
Variant type: single nucleotide variant.
Coding change: c.3877G>A on transcript NM_001165963.4 (MANE Select); coding-DNA position 3877, G replaced by A.
Protein change: p.Asp1293Asn; replaces aspartic acid 1293 with asparagine.
Molecular consequence: missense variant. On other transcripts: non-coding transcript variant (1).
Genome position (GRCh38, 1-based): chr2:166,012,111, C>T on the plus strand (G>A on the coding strand, the complement: SCN1A is on the minus strand). VCF-style: chr2-166012111-C-T. GRCh37 (hg19) VCF-style: chr2-166868621-C-T.
Other names: c.3790G>A, p.Asp1264Asn (NM_001353960.2); c.1435G>A, p.Asp479Asn (NM_001353961.2); c.3844G>A, p.Asp1282Asn (NM_006920.6, NM_001353949.2, NM_001353950.2 and 2 more transcripts); c.3793G>A, p.Asp1265Asn (NM_001165964.3, NM_001353957.2, NM_001353958.2); c.3877G>A, p.Asp1293Asn (NM_001202435.3, NM_001353948.2); c.3841G>A, p.Asp1281Asn (NM_001353954.2, NM_001353955.2); short protein forms D1264N, D1265N, D1281N, D1282N, D1293N, D479N.
Identifiers: ClinVar variation 5037244 (VCV005037244.1).